The following is an entry in ClinVar:

ClinVar aggregate classification (germline): Likely benign. Review status: criteria provided, multiple submitters, no conflicts (2 of 4 stars). 2 submissions from 2 submitters: Likely benign (2). Last evaluated 2025-04-20.

Conditions:
FREM1-related disorder. Also called: FREM1-Related Disorders; FREM1-related condition.

gnomAD v4.1: 84 of 1,613,938 alleles (0.0052%); highest among the groups gnomAD compares: South Asian, 0.081%; 2 homozygotes.

Submissions (2):

PreventionGenetics, part of Exact Sciences
Classification: Likely benign for FREM1-related condition. Last evaluated: 2025-04-20. Review status: criteria provided, single submitter. Criteria: ACMG Guidelines, 2015. Collection method: clinical testing. Allele origin: germline.
Comment: This variant is classified as likely benign based on ACMG/AMP sequence variant interpretation guidelines (Richards et al. 2015 PMID: 25741868, with internal and published modifications).

CeGaT Center for Human Genetics Tuebingen
Classification: Likely benign. Last evaluated: 2024-09-01. Review status: criteria provided, single submitter. Criteria: CeGaT Center For Human Genetics Tuebingen Variant Classification Criteria Version 2. Collection method: clinical testing. Allele origin: germline. Affected: yes. Observed: 1 variant allele.
Comment: FREM1: BP4, BP7

NM_001379081.2(FREM1):c.3576C>T (p.Arg1192=)

Gene: FREM1 (FRAS1 related extracellular matrix 1; minus strand). Cytogenetic location: 9p22.3.
Variant type: single nucleotide variant.
Coding change: c.3576C>T on transcript NM_001379081.2 (MANE Select); coding-DNA position 3576, C replaced by T.
Protein change: p.Arg1192=; no amino-acid change (arginine 1192 retained).
Molecular consequence: synonymous variant. On other transcripts: non-coding transcript variant (2).
Genome position (GRCh38, 1-based): chr9:14,801,770, G>A on the plus strand (C>T on the coding strand, the complement: FREM1 is on the minus strand). VCF-style: chr9-14801770-G-A. GRCh37 (hg19) VCF-style: chr9-14801768-G-A.
Other names: c.3576C>T, p.Arg1192= (NM_144966.7); c.3576C>T (NM_144966.5).
Identifiers: ClinVar variation 3389047 (VCV003389047.15).